The following is an entry in ClinVar:

ClinVar aggregate classification (germline): Conflicting classifications of pathogenicity. Review status: criteria provided, conflicting classifications (1 of 4 stars). 4 submissions from 4 submitters: Uncertain significance (3); Likely benign (1). Last evaluated 2025-02-21.

Allele frequency attached by ClinVar (database versions not stated): gnomAD exomes 0.00006; ExAC 0.00009; gnomAD 0.00015 and 0.00016; 1000 Genomes Project 0.00020; TOPMed 0.00022; 1000 Genomes Project 30x 0.00031; ESP Exome Variant Server 0.00038.
gnomAD v4.1: 76 of 1,614,058 alleles (0.0047%); highest among the groups gnomAD compares: African/African-American, 0.051%; no homozygotes.

Submissions (4):

Labcorp Genetics (formerly Invitae), Labcorp
Classification: Likely benign. Last evaluated: 2025-02-21. Review status: criteria provided, single submitter. Criteria: Invitae Variant Classification Sherloc (09022015). Collection method: clinical testing. Allele origin: germline.

Mayo Clinic Laboratories, Mayo Clinic
Classification: Uncertain significance. Last evaluated: 2024-02-22. Review status: criteria provided, single submitter. Criteria: ACMG Guidelines, 2015. Collection method: clinical testing. Allele origin: germline. Observed: 1 variant allele.
Comment: PP3

ARUP Laboratories, Molecular Genetics and Genomics, ARUP Laboratories
Classification: Uncertain significance. Last evaluated: 2023-04-07. Review status: criteria provided, single submitter. Criteria: ARUP Molecular Germline Variant Investigation Process 2024. Collection method: clinical testing. Allele origin: germline.
Comment: The EPHB4 c.1692-8G>A variant (rs372971671), to our knowledge, is not reported in the medical literature but is reported in ClinVar (Variation ID: 1313960). This variant is found in the African/African-American population with an allele frequency of 0.056% (19/282878 alleles) in the Genome Aggregation Database. This is an intronic variant in a weakly conserved nucleotide, but computational analyses (Alamut Visual Plus v.1.5.1) predict that this variant may impact splicing by creating a novel cryptic acceptor splice site and weakening the nearby canonical acceptor splice site. However, without functional studies the effect on splicing is unknown. Due to limited information, the clinical significance of this variant is uncertain at this time.

GeneDx
Classification: Uncertain significance. Last evaluated: 2021-01-11. Review status: criteria provided, single submitter. Criteria: GeneDx Variant Classification Process June 2021. Collection method: clinical testing. Allele origin: germline. Affected: yes.
Comment: In silico analysis supports a deleterious effect on splicing; Has not been previously published as pathogenic or benign to our knowledge

Literature cited by the submitters: PubMed 28687708 (cited by Mayo Clinic Laboratories, Mayo Clinic).

NM_004444.5(EPHB4):c.1692-8G>A

Gene: EPHB4 (EPH receptor B4; minus strand). Cytogenetic location: 7q22.1.
Variant type: single nucleotide variant.
Coding change: c.1692-8G>A on transcript NM_004444.5 (MANE Select); 8 bases into the intron before coding-DNA position 1692, G replaced by A.
Molecular consequence: intron variant.
Genome position (GRCh38, 1-based): chr7:100,813,724, C>T on the plus strand (G>A on the coding strand, the complement: EPHB4 is on the minus strand). VCF-style: chr7-100813724-C-T. GRCh37 (hg19) VCF-style: chr7-100411346-C-T.
Other names: p.?.
Identifiers: ClinVar variation 1313960 (VCV001313960.5), dbSNP rs372971671, ClinGen allele CA4392869.